The following is an entry in ClinVar:

NM_001080421.3(UNC13A):c.2044+79G>T

Gene: UNC13A (unc-13 homolog A; minus strand). Cytogenetic location: 19p13.11.
Variant type: single nucleotide variant.
Coding change: c.2044+79G>T on transcript NM_001080421.3 (MANE Select); 79 bases into the intron after coding-DNA position 2044, G replaced by T.
Molecular consequence: intron variant.
Genome position (GRCh38, 1-based): chr19:17,647,186, C>A on the plus strand (G>T on the coding strand, the complement: UNC13A is on the minus strand). VCF-style: chr19-17647186-C-A. GRCh37 (hg19) VCF-style: chr19-17757995-C-A.
Other names: c.2038+79G>T (NM_001387022.1, NM_001387023.1, NM_001387021.1).
Identifiers: ClinVar variation 5008664 (VCV005008664.1).
Genomic context (GRCh38, chr19:17,647,186, plus strand): 5'-CACACGGAGATGAGATGGAATGCACCCGACCGAGTGAGTGCGCGCTGCAAAGGAGAGGGA[C>A]CAGGCCATGGGACAGGGCATGAGACAGGTCTCAGAGGGTGGAGAAGGAGGGGCCCTATGG-3'

ClinVar aggregate classification (germline): Uncertain significance (1 of 4 stars; one submission).

Submission:

GeneDx
Classification: Uncertain significance. Last evaluated: 2026-03-06. Review status: criteria provided, single submitter. Criteria: GeneDx Variant Classification Process June 2021. Collection method: clinical testing. Allele origin: germline.
Comment: Has not been previously published as pathogenic or benign to our knowledge; No data available from control populations to assess the frequency of this variant; In silico analysis suggests this variant may impact gene splicing. In the absence of RNA/functional studies, the actual effect of this sequence change is unknown.